The following is an entry in ClinVar:

NM_000238.4(KCNH2):c.21C>T (p.His7=)

Gene: KCNH2 (potassium voltage-gated channel subfamily H member 2; minus strand). Cytogenetic location: 7q36.1.
Variant type: single nucleotide variant.
Coding change: c.21C>T on transcript NM_000238.4 (MANE Select); coding-DNA position 21, C replaced by T.
Protein change: p.His7=; no amino-acid change (histidine 7 retained).
Molecular consequence: synonymous variant. On other transcripts: non-coding transcript variant (1).
Genome position (GRCh38, 1-based): chr7:150,977,893, G>A on the plus strand (C>T on the coding strand, the complement: KCNH2 is on the minus strand). VCF-style: chr7-150977893-G-A. GRCh37 (hg19) VCF-style: chr7-150674981-G-A.
Other names: c.21C>T, p.His7= (NM_172056.3).
Identifiers: ClinVar variation 2726286 (VCV002726286.5), dbSNP rs1802017721, ClinGen allele CA458648341.

ClinVar aggregate classification (germline): Likely benign. Review status: criteria provided, multiple submitters, no conflicts (2 of 4 stars). 2 submissions from 2 submitters: Likely benign (2). Last evaluated 2024-07-20.

Conditions:
Long QT syndrome (LQTS). Identifiers: MedGen C0023976, MeSH D008133, MONDO:0002442. Disease mechanism: loss of function. Inheritance: Various modes of inheritance.

Submissions (2):

All of Us Research Program, National Institutes of Health
Classification: Likely benign for Long QT syndrome. Last evaluated: 2024-07-20. Review status: criteria provided, single submitter. Criteria: ACMG Guidelines, 2015. Collection method: clinical testing. Allele origin: germline. Inheritance: Autosomal dominant inheritance. Observed: 3 variant alleles, 3 heterozygotes.
Comment: This study involves interpretation of variants in research participants for the purpose of population health screening. Participant phenotype was not available at the time of variant classification. Additional details can be found in publication PMID: 35346344, PMCID: PMC8962531

Labcorp Genetics (formerly Invitae), Labcorp
Classification: Likely benign for Long QT syndrome. Last evaluated: 2024-04-10. Review status: criteria provided, single submitter. Criteria: Invitae Variant Classification Sherloc (09022015). Collection method: clinical testing. Allele origin: germline.